The following is an entry in ClinVar:

NM_025114.4(CEP290):c.3409C>T (p.Arg1137Trp)

Gene: CEP290 (centrosomal protein 290; minus strand). Cytogenetic location: 12q21.32.
Variant type: single nucleotide variant.
Coding change: c.3409C>T on transcript NM_025114.4 (MANE Select); coding-DNA position 3409, C replaced by T.
Protein change: p.Arg1137Trp; replaces arginine 1137 with tryptophan.
Molecular consequence: missense variant.
Genome position (GRCh38, 1-based): chr12:88,092,733, G>A on the plus strand (C>T on the coding strand, the complement: CEP290 is on the minus strand). VCF-style: chr12-88092733-G-A. GRCh37 (hg19) VCF-style: chr12-88486510-G-A.
Other names: c.3409C>T (NM_025114.3); short protein forms R1137W.
Identifiers: ClinVar variation 291039 (VCV000291039.13), dbSNP rs759961956, ClinGen allele CA6712149.

ClinVar aggregate classification (germline): Uncertain significance. Review status: criteria provided, multiple submitters, no conflicts (2 of 4 stars). 5 submissions from 5 submitters: Uncertain significance (4). 1 of the submissions does not count toward it. Last evaluated 2024-11-11.

Conditions:
CEP290-related disorder. Also called: CEP290-related condition; CEP290-related disorders. Identifiers: MedGen CN239314.
Joubert syndrome 5 (JBTS5). Identifiers: Orphanet 2318, MedGen C1857780, MONDO:0012432, OMIM 610188.
Bardet-Biedl syndrome 14 (BBS14). Identifiers: Orphanet 110, MedGen C2673874, MONDO:0014442, OMIM 615991.
Leber congenital amaurosis 10 (LCA10). Identifiers: Orphanet 65, MedGen C1857821, MONDO:0012723, OMIM 611755.
Senior-Loken syndrome 6 (SLSN6). Identifiers: Orphanet 3156, MedGen C1857779, MONDO:0012433, OMIM 610189.
Meckel syndrome, type 4 (MKS4). Also called: MECKEL-GRUBER SYNDROME, TYPE 4. Identifiers: Orphanet 564, MedGen C1970161, MONDO:0012626, OMIM 611134.
Meckel-Gruber syndrome. Also called: DYSENCEPHALIA SPLANCHNOCYSTICA; GRUBER SYNDROME; Dysencephalia splachnocystica. Identifiers: Orphanet 564, MedGen C0265215, MONDO:0018921.
Nephronophthisis. Also called: Juvenile Nephronophthisis. Identifiers: Orphanet 655, MedGen C0687120, MONDO:0019005, HP:0000090.
Joubert syndrome. Also called: JOUBERT-BOLTSHAUSER SYNDROME; Familial aplasia of the vermis. Identifiers: Orphanet 475, MedGen C5979921, MONDO:0018772.

Allele frequency attached by ClinVar (database versions not stated): ExAC 0.00001; gnomAD 0.00001; gnomAD exomes 0.00001 and 0.00002; TOPMed 0.00001.

Submissions (5):

Labcorp Genetics (formerly Invitae), Labcorp
Classification: Uncertain significance for Joubert syndrome; Meckel-Gruber syndrome; Nephronophthisis. Last evaluated: 2024-11-11. Review status: criteria provided, single submitter. Criteria: Invitae Variant Classification Sherloc (09022015). Collection method: clinical testing. Allele origin: germline.
Comment: This sequence change replaces arginine, which is basic and polar, with tryptophan, which is neutral and slightly polar, at codon 1137 of the CEP290 protein (p.Arg1137Trp). This variant is present in population databases (rs759961956, gnomAD 0.004%). This variant has not been reported in the literature in individuals affected with CEP290-related conditions. ClinVar contains an entry for this variant (Variation ID: 291039). Invitae Evidence Modeling of protein sequence and biophysical properties (such as structural, functional, and spatial information, amino acid conservation, physicochemical variation, residue mobility, and thermodynamic stability) indicates that this missense variant is expected to disrupt CEP290 protein function with a positive predictive value of 80%. In summary, the available evidence is currently insufficient to determine the role of this variant in disease. Therefore, it has been classified as a Variant of Uncertain Significance.

Blueprint Genetics
Classification: Uncertain significance. Last evaluated: 2024-05-08. Review status: criteria provided, single submitter. Criteria: ACMG Guidelines, 2015. Collection method: clinical testing. Allele origin: germline.

Fulgent Genetics
Classification: Uncertain significance for Joubert syndrome 5; Senior-Loken syndrome 6; Meckel syndrome, type 4; Leber congenital amaurosis 10; Bardet-Biedl syndrome 14. Last evaluated: 2022-01-04. Review status: criteria provided, single submitter. Criteria: ACMG Guidelines, 2015. Collection method: clinical testing. Allele origin: unknown.

Eurofins Ntd Llc (ga)
Classification: Uncertain significance. Last evaluated: 2016-09-23. Review status: criteria provided, single submitter. Criteria: EGL Classification Definitions 2015. Collection method: clinical testing. Allele origin: germline. Observed: 1 variant allele, 1 heterozygote.

PreventionGenetics, part of Exact Sciences
Classification: Uncertain significance for CEP290-related condition. Last evaluated: 2024-08-30. Review status: no assertion criteria provided. Collection method: clinical testing. Allele origin: germline. Not counted in ClinVar's aggregate classification.
Comment: The CEP290 c.3409C>T variant is predicted to result in the amino acid substitution p.Arg1137Trp. To our knowledge, this variant has not been reported in the literature. This variant is reported in 0.0042% of alleles in individuals of African descent in gnomAD. At this time, the clinical significance of this variant is uncertain due to the absence of conclusive functional and genetic evidence.